The following is an entry in ClinVar:

ClinVar aggregate classification (germline): Conflicting classifications of pathogenicity. Review status: criteria provided, conflicting classifications (1 of 4 stars). 2 submissions from 2 submitters: Likely pathogenic (1); Uncertain significance (1). Last evaluated 2019-08-23.

Conditions:
Hyperinsulinemic hypoglycemia. Also called: Hyperinsulinemia hypoglycemia; Hyperinsulinemic hypoglycemia (disease). Identifiers: Orphanet 443095, MedGen C1864903, MONDO:0005803, HP:0000825.
Deficiency of 3-hydroxyacyl-CoA dehydrogenase. Also called: HADH DEFICIENCY; 3-hydroxyacyl-CoA dehydrogenase deficiency. Identifiers: Orphanet 309127, Orphanet 71212, MedGen C1291230, MONDO:0017715, OMIM 231530.

Allele frequency attached by ClinVar (database versions not stated): gnomAD exomes below 0.00001.
gnomAD v4.1: 1 of 1,614,092 alleles (0.000062%); highest among the groups gnomAD compares: Non-Finnish European, 0.000085%; no homozygotes.

Submissions (2):

Labcorp Genetics (formerly Invitae), Labcorp
Classification: Uncertain significance for Deficiency of 3-hydroxyacyl-CoA dehydrogenase. Last evaluated: 2019-08-23. Review status: criteria provided, single submitter. Criteria: Invitae Variant Classification Sherloc (09022015). Collection method: clinical testing. Allele origin: germline.
Comment: This variant has not been reported in the literature in individuals with HADH-related conditions. In summary, the available evidence is currently insufficient to determine the role of this variant in disease. Therefore, it has been classified as a Variant of Uncertain Significance. Algorithms developed to predict the effect of sequence changes on RNA splicing suggest that this variant may create or strengthen a splice site, but this prediction has not been confirmed by published transcriptional studies. Algorithms developed to predict the effect of missense changes on protein structure and function (SIFT, PolyPhen-2, Align-GVGD) all suggest that this variant is likely to be disruptive, but these predictions have not been confirmed by published functional studies and their clinical significance is uncertain. This variant is not present in population databases (ExAC no frequency). This sequence change replaces lysine with arginine at codon 127 of the HADH protein (p.Lys127Arg). The lysine residue is highly conserved and there is a small physicochemical difference between lysine and arginine.

Clinical Genomics, Uppaluri K&H Personalized Medicine Clinic
Classification: Likely pathogenic for Hyperinsulinemic hypoglycemia. Review status: criteria provided, single submitter. Criteria: K & H Uppaluri Personalized Medicine Clinic Variant Classification & Assertion Criteria_Updated V.1. Collection method: research. Allele origin: unknown. Inheritance: Autosomal recessive inheritance.
Comment: Potent mutations in HADH gene are associated with congenital hyperinsulinism, which leads to recurrent hypoglycemia. The condition is exacerbated by stress, fasting or excessive dietary protein. May respond well to diazoxide. However, the role of this particular variant rs1735626197 in congenital hyperinsulinism is yet to be ascertained.

Literature cited by the submitters: PubMed 34547194 (cited by Clinical Genomics, Uppaluri K&H Personalized Medicine Clinic); PubMed 34055426 (cited by Clinical Genomics, Uppaluri K&H Personalized Medicine Clinic); PubMed 29280746 (cited by Clinical Genomics, Uppaluri K&H Personalized Medicine Clinic).

NM_005327.7(HADH):c.380A>G (p.Lys127Arg)

Gene: HADH (hydroxyacyl-CoA dehydrogenase; plus strand). Cytogenetic location: 4q25.
Variant type: single nucleotide variant.
Coding change: c.380A>G on transcript NM_005327.7 (MANE Select); coding-DNA position 380, A replaced by G.
Protein change: p.Lys127Arg; replaces lysine 127 with arginine.
Molecular consequence: missense variant.
Genome position (GRCh38, 1-based): chr4:108,014,549, A>G. VCF-style: chr4-108014549-A-G. GRCh37 (hg19) VCF-style: chr4-108935705-A-G.
Other names: c.380A>G, p.Lys127Arg (NM_001184705.4); c.392A>G, p.Lys131Arg (NM_001331027.2); short protein forms K131R, K127R.
Identifiers: ClinVar variation 962564 (VCV000962564.7), dbSNP rs1735626197, ClinGen allele CA357831531.